The following is an entry in ClinVar:

NM_002350.4(LYN):c.72A>G (p.Val24=)

Gene: LYN (LYN proto-oncogene, Src family tyrosine kinase; plus strand). Cytogenetic location: 8q12.1.
Variant type: single nucleotide variant.
Coding change: c.72A>G on transcript NM_002350.4 (MANE Select); coding-DNA position 72, A replaced by G.
Protein change: p.Val24=; no amino-acid change (valine 24 retained).
Molecular consequence: synonymous variant. On other transcripts: intron variant (1).
Genome position (GRCh38, 1-based): chr8:55,941,931, A>G. VCF-style: chr8-55941931-A-G. GRCh37 (hg19) VCF-style: chr8-56854490-A-G.
Other names: c.69+3A>G (NM_001111097.3).
Identifiers: ClinVar variation 2034412 (VCV002034412.4), dbSNP rs2487490700, ClinGen allele CA460819145.

ClinVar aggregate classification (germline): Uncertain significance (1 of 4 stars; one submission).

Submission:

Labcorp Genetics (formerly Invitae), Labcorp
Classification: Uncertain significance. Last evaluated: 2022-10-07. Review status: criteria provided, single submitter. Criteria: Invitae Variant Classification Sherloc (09022015). Collection method: clinical testing. Allele origin: germline.
Comment: In summary, the available evidence is currently insufficient to determine the role of this variant in disease. Therefore, it has been classified as a Variant of Uncertain Significance. Algorithms developed to predict the effect of sequence changes on RNA splicing suggest that this variant may disrupt the consensus splice site. This variant has not been reported in the literature in individuals affected with LYN-related conditions. This variant is not present in population databases (gnomAD no frequency). This sequence change affects codon 24 of the LYN mRNA. It is a 'silent' change, meaning that it does not change the encoded amino acid sequence of the LYN protein.